The following is an entry in ClinVar:

NM_001267550.2(TTN):c.74691del (p.Glu24898fs)

Genes: TTN-AS1 (TTN antisense RNA 1; plus strand), TTN (titin; minus strand). Cytogenetic location: 2q31.2.
Variant type: Deletion.
Coding change: c.74691del on transcript NM_001267550.2 (MANE Select); coding-DNA position 74691, one base deleted (A; older notation c.74691delA).
Protein change: p.Glu24898fs; shifts the reading frame from glutamic acid 24898.
Molecular consequence: frameshift variant. On other transcripts: non-coding transcript variant (1).
Genome position (GRCh38, 1-based): chr2:178,571,441, T deleted on the plus strand (A on the coding strand, the reverse complement: TTN is on the minus strand). VCF-style (leftmost placement, unchanged base first): chr2-178571440-CT-C. GRCh37 (hg19) VCF-style: chr2-179436167-CT-C.
Other names: c.69768del, p.Glu23257fs (NM_001256850.1); c.47496del, p.Glu15833fs (NM_003319.4); c.66987del, p.Glu22330fs (NM_133378.4); c.47871del, p.Glu15958fs (NM_133432.3); c.48072del, p.Glu16025fs (NM_133437.4); short protein forms E15958fs, E23257fs, E15833fs, E22330fs, E16025fs, E24898fs.
Identifiers: ClinVar variation 4786179 (VCV004786179.1).

ClinVar aggregate classification (germline): Likely pathogenic (1 of 4 stars; one submission).

Conditions:
Autosomal recessive limb-girdle muscular dystrophy type 2J (LGMDR10). Also called: Limb-girdle muscular dystrophy, type 2J; MUSCULAR DYSTROPHY, LIMB-GIRDLE, AUTOSOMAL RECESSIVE 10. Identifiers: Orphanet 140922, MedGen C1837342, MONDO:0012127, OMIM 608807.
Dilated cardiomyopathy 1G (CMD1G). Identifiers: Orphanet 154, MedGen C1858763, MONDO:0011400, OMIM 604145.

Submission:

Labcorp Genetics (formerly Invitae), Labcorp
Classification: Likely pathogenic for Dilated cardiomyopathy 1G; Autosomal recessive limb-girdle muscular dystrophy type 2J. Last evaluated: 2025-09-20. Review status: criteria provided, single submitter. Criteria: Invitae Variant Classification Sherloc (09022015). Collection method: clinical testing. Allele origin: germline.
Comment: This sequence change creates a premature translational stop signal (p.Glu24898Serfs*4) in the TTN gene. While this is not anticipated to result in nonsense mediated decay, it is expected to create a truncated TTN protein. This variant is not present in population databases (gnomAD no frequency). This variant has not been reported in the literature in individuals affected with TTN-related conditions. This variant is located in the A band of TTN (PMID: 25589632). Truncating variants in this region are significantly overrepresented in patients affected with dilated cardiomyopathy (PMID: 25589632). Truncating variants in this region have also been reported in individuals affected with autosomal recessive centronuclear myopathy (PMID: 23975875). In summary, the currently available evidence indicates that the variant is pathogenic, but additional data are needed to prove that conclusively. Therefore, this variant has been classified as Likely Pathogenic.

Literature cited by the submitters: PubMed 25589632; PubMed 23975875.